The following is an entry in ClinVar:

NM_001394062.1(MACF1):c.14261T>C (p.Ile4754Thr)

Gene: MACF1 (microtubule actin crosslinking factor 1; plus strand). Cytogenetic location: 1p34.3.
Variant type: single nucleotide variant.
Coding change: c.14261T>C on transcript NM_001394062.1 (MANE Select); coding-DNA position 14261, T replaced by C.
Protein change: p.Ile4754Thr; replaces isoleucine 4754 with threonine.
Molecular consequence: missense variant.
Genome position (GRCh38, 1-based): chr1:39,385,846, T>C. VCF-style: chr1-39385846-T-C. GRCh37 (hg19) VCF-style: chr1-39851518-T-C.
Other names: c.8075T>C, p.Ile2692Thr (NM_012090.5); short protein forms I2692T, I4754T.
Identifiers: ClinVar variation 2381546 (VCV002381546.3), dbSNP rs748129943, ClinGen allele CA782211.

ClinVar aggregate classification (germline): Conflicting classifications of pathogenicity. Review status: criteria provided, conflicting classifications (1 of 4 stars). 2 submissions from 2 submitters: Uncertain significance (1); Likely benign (1). Last evaluated 2026-05-12.

Conditions:
MACF1-related disorder. Also called: MACF1-related condition.
Inborn genetic diseases. Identifiers: MedGen C0950123, MeSH D030342.

Allele frequency attached by ClinVar (database versions not stated): ExAC 0.00003; gnomAD exomes 0.00003; gnomAD 0.00004.
gnomAD v4.1: 60 of 1,613,910 alleles (0.0037%); highest among the groups gnomAD compares: Non-Finnish European, 0.0044%; no homozygotes.

Submissions (2):

PreventionGenetics, part of Exact Sciences
Classification: Uncertain significance for MACF1-related condition. Last evaluated: 2026-05-12. Review status: criteria provided, single submitter. Criteria: ACMG Guidelines, 2015. Collection method: clinical testing. Allele origin: germline.
Comment: The MACF1 c.8075T>C variant is predicted to result in the amino acid substitution p.Ile2692Thr. To our knowledge, this variant has not been reported in the literature. This variant is reported in 0.0053% of alleles in individuals of European (Non-Finnish) descent in gnomAD. At this time, the clinical significance of this variant is uncertain due to the absence of conclusive functional and genetic evidence.

Ambry Genetics
Classification: Likely benign for Inborn genetic diseases. Last evaluated: 2022-09-07. Review status: criteria provided, single submitter. Criteria: Ambry Variant Classification Scheme 2023. Collection method: clinical testing. Allele origin: germline.